The following is an entry in ClinVar:

NM_000466.3(PEX1):c.1741C>T (p.Arg581Trp)

Gene: PEX1 (peroxisomal biogenesis factor 1; minus strand). Cytogenetic location: 7q21.2.
Variant type: single nucleotide variant.
Coding change: c.1741C>T on transcript NM_000466.3 (MANE Select); coding-DNA position 1741, C replaced by T.
Protein change: p.Arg581Trp; replaces arginine 581 with tryptophan.
Molecular consequence: missense variant.
Genome position (GRCh38, 1-based): chr7:92,507,056, G>A on the plus strand (C>T on the coding strand, the complement: PEX1 is on the minus strand). VCF-style: chr7-92507056-G-A. GRCh37 (hg19) VCF-style: chr7-92136370-G-A.
Other names: c.1741C>T, p.Arg581Trp (NM_001282677.2); c.1117C>T, p.Arg373Trp (NM_001282678.2); c.1741C>T (NM_000466.2); short protein forms R581W, R373W.
Identifiers: ClinVar variation 2146635 (VCV002146635.2), dbSNP rs748239213, ClinGen allele CA4341313.

ClinVar aggregate classification (germline): Uncertain significance. Review status: criteria provided, multiple submitters, no conflicts (2 of 4 stars). 2 submissions from 2 submitters: Uncertain significance (2). Last evaluated 2025-12-19.

Conditions:
Zellweger spectrum disorders (ZS). Also called: Zellweger syndrome; Zellweger Spectrum Disorder (ZSD); Zellweger Spectrum Disorder; Zellweger Spectrum. Identifiers: Orphanet 912, MedGen C0043459, MONDO:0019609.
PEX1-related disorder. Also called: PEX1-related condition.

Allele frequency attached by ClinVar (database versions not stated): ExAC 0.00001; gnomAD 0.00001; gnomAD exomes 0.00001; TOPMed 0.00001.
gnomAD v4.1: 8 of 1,613,822 alleles (0.0005%); highest among the groups gnomAD compares: East Asian, 0.0022%; no homozygotes.

Submissions (2):

PreventionGenetics, part of Exact Sciences
Classification: Uncertain significance for PEX1-related condition. Last evaluated: 2025-12-19. Review status: criteria provided, single submitter. Criteria: ACMG Guidelines, 2015. Collection method: clinical testing. Allele origin: germline.
Comment: The PEX1 c.1741C>T variant is predicted to result in the amino acid substitution p.Arg581Trp. To our knowledge, this variant has not been reported in the literature. This variant is reported in 0.0050% of alleles in individuals of East Asian descent in gnomAD. An alternate variant at the same amino acid position has been reported as causative for PEX1-related conditions (Ratbi et al. 2015. PubMed ID: 26387595). Although we suspect that this variant may be pathogenic, at this time, the clinical significance of this variant is uncertain due to the absence of conclusive functional and genetic evidence.

Labcorp Genetics (formerly Invitae), Labcorp
Classification: Uncertain significance for Zellweger spectrum disorders. Last evaluated: 2022-06-24. Review status: criteria provided, single submitter. Criteria: Invitae Variant Classification Sherloc (09022015). Collection method: clinical testing. Allele origin: germline.
Comment: This sequence change replaces arginine, which is basic and polar, with tryptophan, which is neutral and slightly polar, at codon 581 of the PEX1 protein (p.Arg581Trp). This variant is present in population databases (rs748239213, gnomAD 0.005%). This variant has not been reported in the literature in individuals affected with PEX1-related conditions. Algorithms developed to predict the effect of missense changes on protein structure and function are either unavailable or do not agree on the potential impact of this missense change (SIFT: "Deleterious"; PolyPhen-2: "Probably Damaging"; Align-GVGD: "Class C0"). This variant disrupts the p.Arg581 amino acid residue in PEX1. Other variant(s) that disrupt this residue have been determined to be pathogenic (PMID: 26387595). This suggests that this residue is clinically significant, and that variants that disrupt this residue are likely to be disease-causing. In summary, the available evidence is currently insufficient to determine the role of this variant in disease. Therefore, it has been classified as a Variant of Uncertain Significance.

Literature cited by the submitters: PubMed 26387595 (cited by Labcorp Genetics (formerly Invitae), Labcorp).